The following is an entry in ClinVar:

ClinVar aggregate classification (germline): Uncertain significance. Review status: criteria provided, multiple submitters, no conflicts (2 of 4 stars). 2 submissions from 2 submitters: Uncertain significance (2). Last evaluated 2024-08-07.

Conditions:
Emery-Dreifuss muscular dystrophy (EDMD). Also called: Scapuloperoneal syndrome, X-linked (formerly); Humeroperoneal neuromuscular disease, (formerly). Identifiers: Orphanet 261, MedGen C0410189, MONDO:0016830.

Allele frequency attached by ClinVar (database versions not stated): ESP Exome Variant Server 0.00008.
gnomAD v4.1: 23 of 1,613,852 alleles (0.0014%); highest among the groups gnomAD compares: Non-Finnish European, 0.0019%; no homozygotes.

Submissions (2):

Ambry Genetics
Classification: Uncertain significance. Last evaluated: 2024-08-07. Review status: criteria provided, single submitter. Criteria: Ambry Variant Classification Scheme 2023. Collection method: clinical testing. Allele origin: germline.

Labcorp Genetics (formerly Invitae), Labcorp
Classification: Uncertain significance for Emery-Dreifuss muscular dystrophy. Last evaluated: 2023-05-16. Review status: criteria provided, single submitter. Criteria: Invitae Variant Classification Sherloc (09022015). Collection method: clinical testing. Allele origin: germline.
Comment: In summary, the available evidence is currently insufficient to determine the role of this variant in disease. Therefore, it has been classified as a Variant of Uncertain Significance. An algorithm developed to predict the effect of missense changes on protein structure and function (PolyPhen-2) suggests that this variant is likely to be disruptive. This variant has not been reported in the literature in individuals affected with SUN2-related conditions. This variant is present in population databases (rs149626068, gnomAD 0.005%). This sequence change replaces serine, which is neutral and polar, with cysteine, which is neutral and slightly polar, at codon 151 of the SUN2 protein (p.Ser151Cys).

NM_015374.3(SUN2):c.452C>G (p.Ser151Cys)

Gene: SUN2 (Sad1 and UNC84 domain containing 2; minus strand). Cytogenetic location: 22q13.1.
Variant type: single nucleotide variant.
Coding change: c.452C>G on transcript NM_015374.3 (MANE Select); coding-DNA position 452, C replaced by G.
Protein change: p.Ser151Cys; replaces serine 151 with cysteine.
Molecular consequence: missense variant. On other transcripts: intron variant (1).
Genome position (GRCh38, 1-based): chr22:38,750,293, G>C on the plus strand (C>G on the coding strand, the complement: SUN2 is on the minus strand). VCF-style: chr22-38750293-G-C. GRCh37 (hg19) VCF-style: chr22-39146298-G-C.
Other names: c.452C>G (NM_015374.2); c.515C>G, p.Ser172Cys (NM_001394428.1, NM_001199579.2); c.497C>G, p.Ser166Cys (NM_001394429.1, NM_001394430.1); c.452C>G, p.Ser151Cys (NM_001394431.1, NM_001394432.1, NM_001394433.1 and 9 more transcripts); c.362C>G, p.Ser121Cys (NM_001394438.1); c.314C>G, p.Ser105Cys (NM_001394439.1, NM_001394440.1, NM_001394441.1); c.123-1510C>G (NM_001394443.1); short protein forms S105C, S172C, S151C, S121C, S166C.
Identifiers: ClinVar variation 2726955 (VCV002726955.4), dbSNP rs149626068, ClinGen allele CA10235925.